The following is an entry in ClinVar:

NM_006767.4(LZTR1):c.599_600dup (p.Asp201fs)

Gene: LZTR1 (leucine zipper like post translational regulator 1; plus strand). Cytogenetic location: 22q11.21.
Variant type: Duplication.
Coding change: c.599_600dup on transcript NM_006767.4 (MANE Select); coding-DNA positions 599 to 600, 2 bases duplicated (AT; older notation c.599_600dupAT).
Protein change: p.Asp201fs; shifts the reading frame from aspartic acid 201.
Molecular consequence: frameshift variant.
Genome position (GRCh38, 1-based): chr22:20,989,630-20,989,631, AT duplicated. VCF-style (leftmost placement, unchanged base first): chr22-20989629-A-AAT. GRCh37 (hg19) VCF-style: chr22-21343918-A-AAT.
Other names: short protein forms D201fs.
Identifiers: ClinVar variation 4615668 (VCV004615668.1).

ClinVar aggregate classification (germline): Pathogenic (1 of 4 stars; one submission).

Conditions:
Cardiovascular phenotype. Identifiers: MedGen CN230736.
Hereditary cancer-predisposing syndrome. Also called: Neoplastic Syndromes, Hereditary; Tumor predisposition; Hereditary Cancer Syndrome; Hereditary neoplastic syndrome. Identifiers: Orphanet 140162, MedGen C0027672, MeSH D009386, MONDO:0015356.

Submission:

Ambry Genetics
Classification: Pathogenic for Cardiovascular phenotype; Hereditary cancer-predisposing syndrome. Last evaluated: 2025-12-09. Review status: criteria provided, single submitter. Criteria: Ambry Variant Classification Scheme 2023. Collection method: clinical testing. Allele origin: germline.
Comment: The c.599_600dupAT pathogenic mutation, located in coding exon 7 of the LZTR1 gene, results from a duplication of two nucleotides at nucleotide positions 599 to 600, causing a translational frameshift with a predicted alternate stop codon (p.D201Mfs*52). This variant is considered to be rare based on population cohorts in the Genome Aggregation Database (gnomAD). This alteration is expected to result in loss of function by premature protein truncation or nonsense-mediated mRNA decay. Loss-of-function variants in LZTR1 are related to an increased risk for schwannomas and autosomal recessive Noonan syndrome; however, such associations with autosomal dominant Noonan syndrome have not been observed (Piotrowski A et al. Nat Genet. 2014 Feb;46:182-7; Yamamoto GL et al. J Med Genet. 2015 Jun;52:413-21; Johnston JJ et al. Genet Med. 2018 10;20:1175-1185). Based on the supporting evidence, this variant is pathogenic for an increased risk of LZTR1-related schwannomatosis (SWN) and would be expected to cause autosomal recessive Noonan syndrome when present along with a second pathogenic or likely pathogenic variant on the other allele; however, the association of this alteration with autosomal dominant Noonan syndrome is unlikely.